The following is an entry in ClinVar:

ClinVar aggregate classification (germline): Conflicting classifications of pathogenicity. Review status: criteria provided, conflicting classifications (1 of 4 stars). 3 submissions from 3 submitters: Uncertain significance (1); Likely benign (2). Last evaluated 2025-07-03.

Conditions:
Hypohidrotic ectodermal dysplasia (HED). Identifiers: Orphanet 238468, MedGen C5848103, MONDO:0016535, HP:0007607.
Inborn genetic diseases. Identifiers: MedGen C0950123, MeSH D030342.
Ectodermal dysplasia 10A, hypohidrotic/hair/nail type, autosomal dominant (ECTD10A). Also called: Ectodermal Dysplasia 3, Anhidrotic. Identifiers: Orphanet 1810, Orphanet 238468, MedGen C3888065, MONDO:0007509, OMIM 129490.
Autosomal recessive hypohidrotic ectodermal dysplasia syndrome. Also called: Autosomal recessive hypohidrotic ectodermal dysplasia. Identifiers: Orphanet 248, MedGen C0406702, MONDO:0016619.

Allele frequency attached by ClinVar (database versions not stated): TOPMed 0.00009; 1000 Genomes Project 30x 0.00016.
gnomAD v4.1: 103 of 1,613,888 alleles (0.0064%); highest among the groups gnomAD compares: Middle Eastern, 0.05%; no homozygotes.

Submissions (3):

Ambry Genetics
Classification: Uncertain significance for Inborn genetic diseases. Last evaluated: 2025-07-03. Review status: criteria provided, single submitter. Criteria: Ambry Variant Classification Scheme 2023. Collection method: clinical testing. Allele origin: germline.

Labcorp Genetics (formerly Invitae), Labcorp
Classification: Likely benign for Ectodermal dysplasia 10A, hypohidrotic/hair/nail type, autosomal dominant; Autosomal recessive hypohidrotic ectodermal dysplasia syndrome. Last evaluated: 2025-04-28. Review status: criteria provided, single submitter. Criteria: Invitae Variant Classification Sherloc (09022015). Collection method: clinical testing. Allele origin: germline.

Illumina Laboratory Services, Illumina
Classification: Likely benign for Hypohidrotic ectodermal dysplasia. Last evaluated: 2018-01-13. Review status: criteria provided, single submitter. Criteria: ICSL Variant Classification Criteria 13 December 2019. Collection method: clinical testing. Allele origin: germline.
Comment: This variant was observed in the ICSL laboratory as part of a predisposition screen in an ostensibly healthy population. It had not been previously curated by ICSL or reported in the Human Gene Mutation Database (HGMD: prior to June 1st, 2018), and was therefore a candidate for classification through an automated scoring system. Utilizing variant allele frequency, disease prevalence and penetrance estimates, and inheritance mode, an automated score was calculated to assess if this variant is too frequent to cause the disease. Based on the score and internal cut-off values, a variant classified as likely benign is not then subjected to further curation. The score for this variant resulted in a classification of likely benign for this disease.

NM_022336.4(EDAR):c.146C>T (p.Pro49Leu)

Genes: EDAR (ectodysplasin A receptor; minus strand), RANBP2 (RAN binding protein 2; plus strand). Cytogenetic location: 2q13.
Variant type: single nucleotide variant.
Coding change: c.146C>T on transcript NM_022336.4 (MANE Select); coding-DNA position 146, C replaced by T.
Protein change: p.Pro49Leu; replaces proline 49 with leucine.
Molecular consequence: missense variant.
Genome position (GRCh38, 1-based): chr2:108,930,148, G>A on the plus strand (C>T on the coding strand, the complement: EDAR is on the minus strand). VCF-style: chr2-108930148-G-A. GRCh37 (hg19) VCF-style: chr2-109546604-G-A.
Other names: short protein forms P49L.
Identifiers: ClinVar variation 330711 (VCV000330711.54), dbSNP rs375891208, ClinGen allele CA1825198.
Genomic context (GRCh38, chr2:108,930,148, plus strand): 5'-CGCACCAGGCTCCAGGAGGGCTGGGTCCTTACCAGGTAGGGCTCCTCTCCCGGCCCACAC[G>A]GGGGGCACTCCTGGCACAGCCCCGTAGTCTGGTTGTAGTACTCGTTCTCACCGCAGTTTG-3'
Protein context (NP_071731.1, residues 39-59): QTTGLCQECP[Pro49Leu]CGPGEEPYLS